The following is an entry in ClinVar:

ClinVar aggregate classification (germline): Uncertain significance. Review status: criteria provided, multiple submitters, no conflicts (2 of 4 stars). 2 submissions from 2 submitters: Uncertain significance (2). Last evaluated 2026-01-17.

Conditions:
Cardiovascular phenotype. Identifiers: MedGen CN230736.
Noonan syndrome 9 (NS9). Identifiers: Orphanet 648, MedGen C4225282, MONDO:0014691, OMIM 616559.

Allele frequency attached by ClinVar (database versions not stated): gnomAD 0.00001; gnomAD exomes 0.00001; TOPMed below 0.00001.
gnomAD v4.1: 9 of 1,556,328 alleles (0.00058%); highest among the groups gnomAD compares: Non-Finnish European, 0.00079%; no homozygotes.

Submissions (2):

Labcorp Genetics (formerly Invitae), Labcorp
Classification: Uncertain significance for Noonan syndrome 9. Last evaluated: 2026-01-17. Review status: criteria provided, single submitter. Criteria: Invitae Variant Classification Sherloc (09022015). Collection method: clinical testing. Allele origin: germline.
Comment: This sequence change replaces proline, which is neutral and non-polar, with leucine, which is neutral and non-polar, at codon 1180 of the SOS2 protein (p.Pro1180Leu). This variant is present in population databases (no rsID available, gnomAD 0.001%). This variant has not been reported in the literature in individuals affected with SOS2-related conditions. ClinVar contains an entry for this variant (Variation ID: 1732430). Invitae Evidence Modeling of protein sequence and biophysical properties (such as structural, functional, and spatial information, amino acid conservation, physicochemical variation, residue mobility, and thermodynamic stability) indicates that this missense variant is not expected to disrupt SOS2 protein function with a negative predictive value of 95%. In summary, the available evidence is currently insufficient to determine the role of this variant in disease. Therefore, it has been classified as a Variant of Uncertain Significance.

Ambry Genetics
Classification: Uncertain significance for Cardiovascular phenotype. Last evaluated: 2022-10-27. Review status: criteria provided, single submitter. Criteria: Ambry Variant Classification Scheme 2023. Collection method: clinical testing. Allele origin: germline.
Comment: The p.P1180L variant (also known as c.3539C>T), located in coding exon 23 of the SOS2 gene, results from a C to T substitution at nucleotide position 3539. The proline at codon 1180 is replaced by leucine, an amino acid with similar properties. This amino acid position is conserved. In addition, the in silico prediction for this alteration is inconclusive. Since supporting evidence is limited at this time, the clinical significance of this alteration remains unclear.

NM_006939.4(SOS2):c.3539C>T (p.Pro1180Leu)

Gene: SOS2 (SOS Ras/Rho guanine nucleotide exchange factor 2; minus strand). Cytogenetic location: 14q21.3.
Variant type: single nucleotide variant.
Coding change: c.3539C>T on transcript NM_006939.4 (MANE Select); coding-DNA position 3539, C replaced by T.
Protein change: p.Pro1180Leu; replaces proline 1180 with leucine.
Molecular consequence: missense variant.
Genome position (GRCh38, 1-based): chr14:50,118,804, G>A on the plus strand (C>T on the coding strand, the complement: SOS2 is on the minus strand). VCF-style: chr14-50118804-G-A. GRCh37 (hg19) VCF-style: chr14-50585522-G-A.
Other names: c.3440C>T, p.Pro1147Leu (NM_001411020.1); short protein forms P1180L, P1147L.
Identifiers: ClinVar variation 1732430 (VCV001732430.4), dbSNP rs1328697686, ClinGen allele CA389638706.